The following is an entry in ClinVar:

NM_152468.5(TMC8):c.277G>C (p.Gly93Arg)

Genes: TMC6 (transmembrane channel like 6; minus strand), TMC8 (transmembrane channel like 8; plus strand). Cytogenetic location: 17q25.3.
Variant type: single nucleotide variant.
Coding change: c.277G>C on transcript NM_152468.5 (MANE Select); coding-DNA position 277, G replaced by C.
Protein change: p.Gly93Arg; replaces glycine 93 with arginine.
Molecular consequence: missense variant. On other transcripts: intron variant (1).
Genome position (GRCh38, 1-based): chr17:78,132,009, G>C. VCF-style: chr17-78132009-G-C. GRCh37 (hg19) VCF-style: chr17-76128090-G-C.
Other names: c.-75+332C>G (NM_007267.7); short protein forms G93R.
Identifiers: ClinVar variation 1714716 (VCV001714716.6), dbSNP rs954490437, ClinGen allele CA401240326.

ClinVar aggregate classification (germline): Uncertain significance (1 of 4 stars; one submission).

Conditions:
Epidermodysplasia verruciformis. Identifiers: Orphanet 302, MedGen C0014522, MONDO:0009176.

gnomAD v4.1: 1 of 1,532,736 alleles (0.000065%); highest among the groups gnomAD compares: Non-Finnish European, 0.000087%; no homozygotes.

Submission:

Labcorp Genetics (formerly Invitae), Labcorp
Classification: Uncertain significance for Epidermodysplasia verruciformis. Last evaluated: 2022-07-15. Review status: criteria provided, single submitter. Criteria: Invitae Variant Classification Sherloc (09022015). Collection method: clinical testing. Allele origin: germline.
Comment: Algorithms developed to predict the effect of sequence changes on RNA splicing suggest that this variant may create or strengthen a splice site. In summary, the available evidence is currently insufficient to determine the role of this variant in disease. Therefore, it has been classified as a Variant of Uncertain Significance. Algorithms developed to predict the effect of missense changes on protein structure and function output the following: SIFT: "Tolerated"; PolyPhen-2: "Possibly Damaging"; Align-GVGD: "Class C0". The arginine amino acid residue is found in multiple mammalian species, which suggests that this missense change does not adversely affect protein function. This variant has not been reported in the literature in individuals affected with TMC8-related conditions. This variant is not present in population databases (gnomAD no frequency). This sequence change replaces glycine, which is neutral and non-polar, with arginine, which is basic and polar, at codon 93 of the TMC8 protein (p.Gly93Arg).